The following is an entry in ClinVar:

ClinVar aggregate classification (germline): Likely benign. Review status: criteria provided, single submitter (1 of 4 stars). 2 submissions from 2 submitters: Likely benign (1). 1 of the submissions does not count toward it. Last evaluated 2023-03-23.

Conditions:
Hereditary cancer-predisposing syndrome. Also called: Tumor predisposition; Neoplastic Syndromes, Hereditary; Hereditary Cancer Syndrome; Hereditary neoplastic syndrome. Identifiers: Orphanet 140162, MedGen C0027672, MeSH D009386, MONDO:0015356.
Breast-ovarian cancer, familial, susceptibility to, 1 (BROVCA1). Also called: OVARIAN CANCER, SUSCEPTIBILITY TO; BRCA1 Hereditary Breast and Ovarian Cancer. Identifiers: Orphanet 145, MedGen C2676676, MONDO:0011450, OMIM 604370. Disease mechanism: loss of function.

Submissions (2):

University of Washington Department of Laboratory Medicine, University of Washington
Classification: Likely benign for Hereditary cancer-predisposing syndrome. Last evaluated: 2023-03-23. Review status: criteria provided, single submitter. Criteria: Dines et al. (Genet Med. 2020). Collection method: curation. Allele origin: germline.
Comment: Missense variant in a coldspot region where missense variants are very unlikely to be pathogenic (PMID:31911673).

BRCA1 coldspot (exon 11 using historical exon numbering). Reclassification based on statistical prior probability

Breast Cancer Information Core (BIC) (BRCA1)
Classification: Uncertain significance for Breast-ovarian cancer, familial 1. Last evaluated: 1998-02-06. Review status: no assertion criteria provided. Collection method: clinical testing. Allele origin: unknown. Affected: yes. Observed: 1 variant allele. Not counted in ClinVar's aggregate classification.

NM_007294.4(BRCA1):c.2911C>A (p.His971Asn)

Gene: BRCA1 (BRCA1 DNA repair associated; minus strand). Cytogenetic location: 17q21.31.
Variant type: single nucleotide variant.
Coding change: c.2911C>A on transcript NM_007294.4 (MANE Select); coding-DNA position 2911, C replaced by A.
Protein change: p.His971Asn; replaces histidine 971 with asparagine.
Molecular consequence: missense variant. On other transcripts: intron variant (137).
Genome position (GRCh38, 1-based): chr17:43,092,620, G>T on the plus strand (C>A on the coding strand, the complement: BRCA1 is on the minus strand). VCF-style: chr17-43092620-G-T. GRCh37 (hg19) VCF-style: chr17-41244637-G-T.
Other names: c.2830C>A, p.His944Asn (NM_001407661.1, NM_001407662.1, NM_001407659.1 and 1 more transcripts); c.2833C>A, p.His945Asn (NM_001407663.1, NM_001407653.1, NM_001407654.1 and 4 more transcripts); c.2788C>A, p.His930Asn (NM_001407664.1, NM_001407665.1, NM_001407666.1 and 19 more transcripts); c.2785C>A, p.His929Asn (NM_001407670.1, NM_001407671.1, NM_001407672.1 and 11 more transcripts); c.2911C>A, p.His971Asn (NM_001407684.1, NM_001407854.1, NM_001407858.1 and 30 more transcripts); c.2770C>A, p.His924Asn (NM_001407692.1, NM_001407694.1, NM_001407695.1 and 29 more transcripts); c.2767C>A, p.His923Asn (NM_001407740.1, NM_001407741.1, NM_001407742.1 and 20 more transcripts); c.2698C>A, p.His900Asn (NM_001407853.1, NM_001407894.1, NM_001407895.1 and 9 more transcripts); and 41 more; short protein forms H971N, H924N, H675N, H883N, H903N, H904N, H923N, H968N.
Identifiers: ClinVar variation 54714 (VCV000054714.5), dbSNP rs80357478, ClinGen allele CA001897.